The following is an entry in ClinVar:

ClinVar aggregate classification (germline): Uncertain significance. Review status: criteria provided, multiple submitters, no conflicts (2 of 4 stars). 3 submissions from 3 submitters: Uncertain significance (3). Last evaluated 2025-02-09.

Conditions:
Exostoses, multiple, type 2 (EXT2). Also called: Hereditary Multiple Osteochondromatosis, Type II; EXOSTOSES, MULTIPLE, TYPE II. Identifiers: Orphanet 321, MedGen C1851413, MONDO:0007586, OMIM 133701.

Allele frequency attached by ClinVar (database versions not stated): TOPMed 0.00001.
gnomAD v4.1: 6 of 1,614,036 alleles (0.00037%); highest among the groups gnomAD compares: South Asian, 0.0011%; no homozygotes.

Submissions (3):

Labcorp Genetics (formerly Invitae), Labcorp
Classification: Uncertain significance for Exostoses, multiple, type 2. Last evaluated: 2025-02-09. Review status: criteria provided, single submitter. Criteria: Invitae Variant Classification Sherloc (09022015). Collection method: clinical testing. Allele origin: germline.
Comment: This sequence change replaces tryptophan, which is neutral and slightly polar, with glycine, which is neutral and non-polar, at codon 429 of the EXT2 protein (p.Trp429Gly). This variant is present in population databases (rs748351664, gnomAD 0.0009%). This missense change has been observed in individual(s) with multiple osteochondromas (PMID: 17301954). ClinVar contains an entry for this variant (Variation ID: 2675215). Invitae Evidence Modeling of protein sequence and biophysical properties (such as structural, functional, and spatial information, amino acid conservation, physicochemical variation, residue mobility, and thermodynamic stability) has been performed for this missense variant. However, the output from this modeling did not meet the statistical confidence thresholds required to predict the impact of this variant on EXT2 protein function. In summary, the available evidence is currently insufficient to determine the role of this variant in disease. Therefore, it has been classified as a Variant of Uncertain Significance.

Blueprint Genetics
Classification: Uncertain significance. Last evaluated: 2023-12-11. Review status: criteria provided, single submitter. Criteria: ACMG Guidelines, 2015. Collection method: clinical testing. Allele origin: germline.

Baylor Genetics
Classification: Uncertain significance for Exostoses, multiple, type 2. Last evaluated: 2023-07-08. Review status: criteria provided, single submitter. Criteria: ACMG Guidelines, 2015. Collection method: clinical testing. Allele origin: unknown.

Literature cited by the submitters: PubMed 17301954 (cited by Labcorp Genetics (formerly Invitae), Labcorp).

NM_207122.2(EXT2):c.1285T>G (p.Trp429Gly)

Gene: EXT2 (exostosin glycosyltransferase 2; plus strand). Cytogenetic location: 11p11.2.
Variant type: single nucleotide variant.
Coding change: c.1285T>G on transcript NM_207122.2 (MANE Select); coding-DNA position 1285, T replaced by G.
Protein change: p.Trp429Gly; replaces tryptophan 429 with glycine.
Molecular consequence: missense variant.
Genome position (GRCh38, 1-based): chr11:44,171,722, T>G. VCF-style: chr11-44171722-T-G. GRCh37 (hg19) VCF-style: chr11-44193272-T-G.
Other names: c.1384T>G, p.Trp462Gly (NM_000401.3); c.1315T>G, p.Trp439Gly (NM_001178083.3); c.1285T>G, p.Trp429Gly (NM_001389628.1, NM_001389630.1); short protein forms W429G, W439G, W462G.
Identifiers: ClinVar variation 2675215 (VCV002675215.5), dbSNP rs748351664, ClinGen allele CA5955208.
Genomic context (GRCh38, chr11:44,171,722, plus strand): 5'-GCCACCCTGCAGATTATCAATGACCGGATCTATCCATATGCTGCCATCTCCTATGAAGAA[T>G]GGAATGACCCTCCTGCTGTGGTAAGTGAATTCCAGTGCTAGCCACATGAGGCATGGTCCA-3'
Protein context (NP_997005.1, residues 419-439): YPYAAISYEE[Trp429Gly]NDPPAVKWGS